The following is an entry in ClinVar:

NM_000179.3(MSH6):c.3740C>G (p.Thr1247Ser)

Gene: MSH6 (mutS homolog 6; plus strand). Cytogenetic location: 2p16.3.
Variant type: single nucleotide variant.
Coding change: c.3740C>G on transcript NM_000179.3 (MANE Select); coding-DNA position 3740, C replaced by G.
Protein change: p.Thr1247Ser; replaces threonine 1247 with serine.
Molecular consequence: missense variant.
Genome position (GRCh38, 1-based): chr2:47,806,297, C>G. VCF-style: chr2-47806297-C-G. GRCh37 (hg19) VCF-style: chr2-48033436-C-G.
Other names: c.3350C>G, p.Thr1117Ser (NM_001281492.2); c.2834C>G, p.Thr945Ser (NM_001281493.2, NM_001281494.2); short protein forms T1247S, T1117S, T945S.
Identifiers: ClinVar variation 188262 (VCV000188262.34), dbSNP rs786204182, ClinGen allele CA014131.

ClinVar aggregate classification (germline): Uncertain significance. Review status: criteria provided, multiple submitters, no conflicts (2 of 4 stars). 13 submissions from 13 submitters: Uncertain significance (12). 1 of the submissions does not count toward it. Last evaluated 2026-06-15.

Conditions:
Hereditary nonpolyposis colorectal neoplasms. Identifiers: MedGen C0009405, MeSH D003123.
Breast and/or ovarian cancer. Identifiers: MedGen CN221562.
Hereditary cancer-predisposing syndrome. Also called: Neoplastic Syndromes, Hereditary; Tumor predisposition; Hereditary neoplastic syndrome; Hereditary Cancer Syndrome. Identifiers: Orphanet 140162, MedGen C0027672, MeSH D009386, MONDO:0015356.
Lynch syndrome. Identifiers: Orphanet 144, MedGen C4552100, MONDO:0005835. Disease mechanism: loss of function.
Lynch syndrome 5 (LYNCH5). Also called: Colorectal cancer, hereditary nonpolyposis, type 5; Hereditary non-polyposis colorectal cancer, type 5. Identifiers: Orphanet 144, MedGen C1833477, MONDO:0013710, OMIM 614350. Disease mechanism: loss of function.
Endometrial carcinoma. Also called: Endometrial carcinoma, somatic. Identifiers: MedGen C0476089, MONDO:0002447, OMIM 608089, HP:0012114.

Allele frequency attached by ClinVar (database versions not stated): gnomAD 0.00002; gnomAD exomes 0.00006; TOPMed 0.00001.
gnomAD v4.1: 83 of 1,613,938 alleles (0.0051%); highest among the groups gnomAD compares: Non-Finnish European, 0.007%; no homozygotes.

Submissions (13):

Women's Health and Genetics/Laboratory Corporation of America, LabCorp
Classification: Uncertain significance. Last evaluated: 2026-06-15. Review status: criteria provided, single submitter. Criteria: LabCorp Variant Classification Summary - May 2015. Collection method: clinical testing. Allele origin: germline.
Comment: Variant summary: MSH6 c.3740C>G (p.Thr1247Ser) results in a conservative amino acid change located in the DNA mismatch repair protein MutS, C-terminal of the encoded protein sequence. Algorithms developed to predict the effect of missense changes on protein structure and function are either unavailable or do not agree on the potential impact of this missense change. The variant was absent in 251206 control chromosomes. The available data on variant occurrences in the general population are insufficient to allow any conclusion about variant significance. c.3740C>G has been observed in individual(s) affected with breast cancer and pancreatic cancer, without strong evidence for causality (Hu_2022, Cremin_2020). These report(s) do not provide unequivocal conclusions about association of the variant with disease. To our knowledge, no experimental evidence demonstrating an impact on protein function has been reported. The following publications have been ascertained in the context of this evaluation (PMID: 35449176, 32255556). ClinVar contains an entry for this variant (Variation ID: 188262). Based on the evidence outlined above, the variant was classified as uncertain significance.

Labcorp Genetics (formerly Invitae), Labcorp
Classification: Uncertain significance for Hereditary nonpolyposis colorectal neoplasms. Last evaluated: 2026-01-13. Review status: criteria provided, single submitter. Criteria: Invitae Variant Classification Sherloc (09022015). Collection method: clinical testing. Allele origin: germline.
Comment: This sequence change replaces threonine, which is neutral and polar, with serine, which is neutral and polar, at codon 1247 of the MSH6 protein (p.Thr1247Ser). This variant is not present in population databases (gnomAD no frequency). This missense change has been observed in individual(s) with breast cancer and pancreatic cancer (PMID: 32255556, 35449176). ClinVar contains an entry for this variant (Variation ID: 188262). Invitae Evidence Modeling of protein sequence and biophysical properties (such as structural, functional, and spatial information, amino acid conservation, physicochemical variation, residue mobility, and thermodynamic stability) has been performed for this missense variant. However, the output from this modeling did not meet the statistical confidence thresholds required to predict the impact of this variant on MSH6 protein function. RNA analysis performed to evaluate the impact of this missense change on mRNA splicing indicates it does not significantly alter splicing (internal data). In summary, the available evidence is currently insufficient to determine the role of this variant in disease. Therefore, it has been classified as a Variant of Uncertain Significance.

Color Diagnostics, LLC DBA Color Health
Classification: Uncertain significance for Hereditary cancer-predisposing syndrome. Last evaluated: 2025-11-19. Review status: criteria provided, single submitter. Criteria: ACMG Guidelines, 2015. Collection method: clinical testing. Allele origin: germline.
Comment: This missense variant replaces threonine with serine at codon 1247 of the MSH6 protein. Computational prediction suggests that this variant may have deleterious impact on protein structure and function. To our knowledge, functional studies have not been reported for this variant. This variant has not been reported in individuals affected with MSH6-related disorders in the literature. This variant has been identified in 83/1613938 chromosomes in the general population by the Genome Aggregation Database (gnomAD). The available evidence is insufficient to determine the role of this variant in disease conclusively. Therefore, this variant is classified as a Variant of Uncertain Significance.

Ambry Genetics
Classification: Uncertain significance for Hereditary cancer-predisposing syndrome. Last evaluated: 2025-05-13. Review status: criteria provided, single submitter. Criteria: Ambry Variant Classification Scheme 2023. Collection method: clinical testing. Allele origin: germline.
Comment: The p.T1247S variant (also known as c.3740C>G), located in coding exon 8 of the MSH6 gene, results from a C to G substitution at nucleotide position 3740. The threonine at codon 1247 is replaced by serine, an amino acid with similar properties. This variant was identified in 1/177 individuals with pancreatic ductal adenocarcinoma undergoing multi-gene panel testing (Cremin C et al. Cancer Med, 2020 Jun;9:4004-4013). This amino acid position is highly conserved in available vertebrate species. In addition, this alteration is predicted to be deleterious by in silico analysis. Based on the available evidence, the clinical significance of this variant remains unclear.

GeneDx
Classification: Uncertain significance. Last evaluated: 2024-10-21. Review status: criteria provided, single submitter. Criteria: GeneDx Variant Classification Process June 2021. Collection method: clinical testing. Allele origin: germline. Affected: yes.
Comment: Not observed at significant frequency in large population cohorts (gnomAD); In silico analysis supports that this missense variant has a deleterious effect on protein structure/function; This variant is associated with the following publications: (PMID: 33471991, 35449176, 17531815, 21120944)

Molecular Pathology, Peter Maccallum Cancer Centre
Classification: Uncertain significance for Lynch syndrome 5. Last evaluated: 2024-09-30. Review status: criteria provided, single submitter. Criteria: ACMG Guidelines, 2015. Collection method: clinical testing. Allele origin: germline. Inheritance: Autosomal dominant inheritance.

Baylor Genetics
Classification: Uncertain significance for Endometrial carcinoma. Last evaluated: 2023-10-16. Review status: criteria provided, single submitter. Criteria: ACMG Guidelines, 2015. Collection method: clinical testing. Allele origin: unknown.

All of Us Research Program, National Institutes of Health
Classification: Uncertain significance for Lynch syndrome. Last evaluated: 2023-06-28. Review status: criteria provided, single submitter. Criteria: ACMG Guidelines, 2015. Collection method: clinical testing. Allele origin: germline. Inheritance: Autosomal dominant inheritance. Observed: 3 variant alleles, 3 heterozygotes.
Comment: This missense variant replaces threonine with serine at codon 1247 of the MSH6 protein. Computational prediction suggests that this variant may have deleterious impact on protein structure and function (internally defined REVEL score threshold >= 0.7, PMID: 27666373). To our knowledge, functional studies have not been reported for this variant. In a large breast cancer case-control study, this variant has been reported in 2/60466 cases and 4/53461 unaffected controls (PMID: 33471991). This variant has not been identified in the general population by the Genome Aggregation Database (gnomAD). The available evidence is insufficient to determine the role of this variant in disease conclusively. Therefore, this variant is classified as a Variant of Uncertain Significance.

This study involves interpretation of variants in research participants for the purpose of population health screening. Participant phenotype was not available at the time of variant classification. Additional details can be found in publication PMID: 35346344, PMCID: PMC8962531

CHEO Genetics Diagnostic Laboratory, Children's Hospital of Eastern Ontario
Classification: Uncertain significance for Breast and/or ovarian cancer. Last evaluated: 2023-04-26. Review status: criteria provided, single submitter. Criteria: ACMG Guidelines, 2015. Collection method: clinical testing. Allele origin: germline.

Quest Diagnostics Nichols Institute San Juan Capistrano
Classification: Uncertain significance. Last evaluated: 2023-04-20. Review status: criteria provided, single submitter. Criteria: Quest Diagnostics criteria. Collection method: clinical testing. Allele origin: unknown.
Comment: The frequency of this variant in the general population, 0.000044 (3/68040 chromosomes), is uninformative in assessment of its pathogenicity. In the published literature, the variant has been reported in individuals with breast cancer (PMID: 33471991 (2021), see also LOVD, 35449176 (2022)), and pancreatic cancer (PMID: 32255556 (2020)). It has also been reported in healthy individuals (PMID: 33471991 (2021), see also LOVD). Analysis of this variant using bioinformatics tools for the prediction of the effect of amino acid changes on protein structure and function yielded predictions that this variant is damaging. Based on the available information, we are unable to determine the clinical significance of this variant.

Myriad Genetics, Inc.
Classification: Uncertain significance for Lynch syndrome 5. Last evaluated: 2023-03-28. Review status: criteria provided, single submitter. Criteria: Myriad Autosomal Dominant, Autosomal Recessive and X-Linked Classification Criteria (2023). Collection method: clinical testing. Allele origin: unknown.
Comment: This variant is classified as a variant of uncertain significance as there is insufficient evidence to determine its impact on protein function and/or cancer risk.

Sema4
Classification: Uncertain significance for Hereditary cancer-predisposing syndrome. Last evaluated: 2022-02-17. Review status: criteria provided, single submitter. Criteria: Sema4 Curation Guidelines. Collection method: curation. Allele origin: germline.
Comment: The MSH6 c.3740C>G (p.T1247S) variant has been reported in 2/60466 breast cancer cases and 4/53461 healthy controls by a large case-control study (PMID: 33471991). It was not observed in the large and broad cohorts of the Genome Aggregation Database (PMID: 32461654). This variant has been reported in ClinVar (Variation ID 188262). In silico tools suggest the impact of the variant on protein function is deleterious, though these predictions have not been confirmed by functional studies. The evidence is insufficient to meet ACMG/AMP criteria for classifying the variant as benign or pathogenic. Thus, the clinical significance of this variant is currently uncertain.

Counsyl
Classification: Uncertain significance for Lynch syndrome 5. Last evaluated: 2017-06-12. Review status: no assertion criteria provided. Collection method: clinical testing. Allele origin: unknown. Not counted in ClinVar's aggregate classification.

Literature cited by the submitters: PubMed 32255556 (cited by 4 submitters); PubMed 35449176 (cited by 3 submitters); PubMed 33471991 (cited by 3 submitters).